The following is an entry in ClinVar:

ClinVar aggregate classification (germline): Uncertain significance (1 of 4 stars; one submission).

Conditions:
Deficiency of alpha-mannosidase (MANSA). Also called: Alpha-Mannosidosis; Mannosidosis, alpha-, types I and II; LYSOSOMAL ALPHA-D-MANNOSIDASE DEFICIENCY. Identifiers: Orphanet 61, MedGen C0024748, MONDO:0009561, OMIM 248500.

Allele frequency attached by ClinVar (database versions not stated): gnomAD exomes below 0.00001.
gnomAD v4.1: 2 of 1,614,028 alleles (0.00012%); highest among the groups gnomAD compares: Admixed American, 0.0033%; no homozygotes.

Submission:

Labcorp Genetics (formerly Invitae), Labcorp
Classification: Uncertain significance for Deficiency of alpha-mannosidase. Last evaluated: 2022-05-31. Review status: criteria provided, single submitter. Criteria: Invitae Variant Classification Sherloc (09022015). Collection method: clinical testing. Allele origin: germline.
Comment: This sequence change replaces glutamic acid, which is acidic and polar, with lysine, which is basic and polar, at codon 280 of the MAN2B1 protein (p.Glu280Lys). This variant is present in population databases (no rsID available, gnomAD 0.006%). This variant has not been reported in the literature in individuals affected with MAN2B1-related conditions. Algorithms developed to predict the effect of missense changes on protein structure and function are either unavailable or do not agree on the potential impact of this missense change (SIFT: "Deleterious"; PolyPhen-2: "Benign"; Align-GVGD: "Class C15"). In summary, the available evidence is currently insufficient to determine the role of this variant in disease. Therefore, it has been classified as a Variant of Uncertain Significance.

NM_000528.4(MAN2B1):c.838G>A (p.Glu280Lys)

Gene: MAN2B1 (mannosidase alpha class 2B member 1; minus strand). Cytogenetic location: 19p13.13.
Variant type: single nucleotide variant.
Coding change: c.838G>A on transcript NM_000528.4 (MANE Select); coding-DNA position 838, G replaced by A.
Protein change: p.Glu280Lys; replaces glutamic acid 280 with lysine.
Molecular consequence: missense variant.
Genome position (GRCh38, 1-based): chr19:12,663,388, C>T on the plus strand (G>A on the coding strand, the complement: MAN2B1 is on the minus strand). VCF-style: chr19-12663388-C-T. GRCh37 (hg19) VCF-style: chr19-12774202-C-T.
Other names: c.838G>A, p.Glu280Lys (NM_001173498.2); short protein forms E280K.
Identifiers: ClinVar variation 2001373 (VCV002001373.4), dbSNP rs1234056445, ClinGen allele CA404252135.